The following is an entry in ClinVar:

NM_032228.6(FAR1):c.390T>G (p.Ile130Met)

Gene: FAR1 (fatty acyl-CoA reductase 1; plus strand). Cytogenetic location: 11p15.3.
Variant type: single nucleotide variant.
Coding change: c.390T>G on transcript NM_032228.6 (MANE Select); coding-DNA position 390, T replaced by G.
Protein change: p.Ile130Met; replaces isoleucine 130 with methionine.
Molecular consequence: missense variant.
Genome position (GRCh38, 1-based): chr11:13,707,924, T>G. VCF-style: chr11-13707924-T-G. GRCh37 (hg19) VCF-style: chr11-13729471-T-G.
Other names: short protein forms I130M.
Identifiers: ClinVar variation 1390054 (VCV001390054.6), dbSNP rs2134189248, ClinGen allele CA379856569.

ClinVar aggregate classification (germline): Uncertain significance (1 of 4 stars; one submission).

Submission:

Labcorp Genetics (formerly Invitae), Labcorp
Classification: Uncertain significance. Last evaluated: 2021-09-18. Review status: criteria provided, single submitter. Criteria: Invitae Variant Classification Sherloc (09022015). Collection method: clinical testing. Allele origin: germline.
Comment: Algorithms developed to predict the effect of missense changes on protein structure and function are either unavailable or do not agree on the potential impact of this missense change (SIFT: "Deleterious"; PolyPhen-2: "Benign"; Align-GVGD: "Class C0"). In summary, the available evidence is currently insufficient to determine the role of this variant in disease. Therefore, it has been classified as a Variant of Uncertain Significance. This variant has not been reported in the literature in individuals affected with FAR1-related conditions. This variant is not present in population databases (ExAC no frequency). This sequence change replaces isoleucine with methionine at codon 130 of the FAR1 protein (p.Ile130Met). The isoleucine residue is highly conserved and there is a small physicochemical difference between isoleucine and methionine.